The following is an entry in ClinVar:

ClinVar aggregate classification (germline): Uncertain significance. Review status: criteria provided, multiple submitters, no conflicts (2 of 4 stars). 2 submissions from 2 submitters: Uncertain significance (2). Last evaluated 2024-02-05.

Allele frequency attached by ClinVar (database versions not stated): gnomAD exomes 0.00001; gnomAD 0.00002; TOPMed 0.00004; ExAC 0.00007.
gnomAD v4.1: 20 of 1,613,920 alleles (0.0012%); highest among the groups gnomAD compares: East Asian, 0.045%; no homozygotes.

Submissions (2):

Ambry Genetics
Classification: Uncertain significance. Last evaluated: 2024-02-05. Review status: criteria provided, single submitter. Criteria: Ambry Variant Classification Scheme 2023. Collection method: clinical testing. Allele origin: germline.

Labcorp Genetics (formerly Invitae), Labcorp
Classification: Uncertain significance. Last evaluated: 2021-12-12. Review status: criteria provided, single submitter. Criteria: Invitae Variant Classification Sherloc (09022015). Collection method: clinical testing. Allele origin: germline.
Comment: In summary, the available evidence is currently insufficient to determine the role of this variant in disease. Therefore, it has been classified as a Variant of Uncertain Significance. Algorithms developed to predict the effect of missense changes on protein structure and function output the following: SIFT: "Tolerated"; PolyPhen-2: "Benign"; Align-GVGD: "Class C0". The leucine amino acid residue is found in multiple mammalian species, which suggests that this missense change does not adversely affect protein function. This variant has not been reported in the literature in individuals affected with CEP97-related conditions. This variant is present in population databases (rs762262629, gnomAD 0.1%), and has an allele count higher than expected for a pathogenic variant. This sequence change replaces proline, which is neutral and non-polar, with leucine, which is neutral and non-polar, at codon 696 of the CEP97 protein (p.Pro696Leu).

NM_024548.4(CEP97):c.2087C>T (p.Pro696Leu)

Gene: CEP97 (centrosomal protein 97; plus strand). Cytogenetic location: 3q12.3.
Variant type: single nucleotide variant.
Coding change: c.2087C>T on transcript NM_024548.4 (MANE Select); coding-DNA position 2087, C replaced by T.
Protein change: p.Pro696Leu; replaces proline 696 with leucine.
Molecular consequence: missense variant.
Genome position (GRCh38, 1-based): chr3:101,765,040, C>T. VCF-style: chr3-101765040-C-T. GRCh37 (hg19) VCF-style: chr3-101483884-C-T.
Other names: c.2087C>T (NM_024548.2); c.1910C>T, p.Pro637Leu (NM_001303401.2); c.1985C>T, p.Pro662Leu (NM_001410784.1); c.1808C>T, p.Pro603Leu (NM_001410785.1); short protein forms P603L, P637L, P662L, P696L.
Identifiers: ClinVar variation 1989204 (VCV001989204.5), dbSNP rs762262629, ClinGen allele CA2522268.